The following is an entry in ClinVar:

ClinVar aggregate classification (germline): Pathogenic/Likely pathogenic. Review status: criteria provided, multiple submitters, no conflicts (2 of 4 stars). 4 submissions from 4 submitters: Pathogenic (3); Likely pathogenic (1). Last evaluated 2022-05-09.

Conditions:
Lymphatic malformation 7 (LMPHM7). Also called: Hydrops fetalis, nonimmune, and/or atrial septal defect, susceptibility to. Identifiers: MedGen C4310629, MONDO:0015009, OMIM 617300.
Capillary malformation-arteriovenous malformation 2 (CMAVM2). Identifiers: Orphanet 693912, MedGen C4748670, MONDO:0020785, OMIM 618196.

Allele frequency attached by ClinVar (database versions not stated): gnomAD exomes below 0.00001; gnomAD 0.00001; TOPMed 0.00001.
gnomAD v4.1: 6 of 1,599,384 alleles (0.00038%); highest among the groups gnomAD compares: African/African-American, 0.0013%; no homozygotes.

Submissions (4):

Labcorp Genetics (formerly Invitae), Labcorp
Classification: Pathogenic. Last evaluated: 2022-05-09. Review status: criteria provided, single submitter. Criteria: Invitae Variant Classification Sherloc (09022015). Collection method: clinical testing. Allele origin: germline.
Comment: For these reasons, this variant has been classified as Pathogenic. This variant has not been reported in the literature in individuals affected with EPHB4-related conditions. This variant is not present in population databases (gnomAD no frequency). This sequence change creates a premature translational stop signal (p.Arg365*) in the EPHB4 gene. It is expected to result in an absent or disrupted protein product. Loss-of-function variants in EPHB4 are known to be pathogenic (PMID: 28687708).

Victorian Clinical Genetics Services, Murdoch Childrens Research Institute
Classification: Pathogenic for Capillary malformation-arteriovenous malformation 2. Last evaluated: 2022-03-31. Review status: criteria provided, single submitter. Criteria: ACMG Guidelines, 2015. Collection method: clinical testing. Allele origin: germline. Inheritance: Autosomal dominant inheritance.
Comment: Based on the classification scheme VCGS_Germline_v1.3.4, this variant is classified as Pathogenic. Following criteria are met: 0102 - Loss of function is a known mechanism of disease in this gene and is associated with capillary malformation-arteriovenous malformation 2 (MIM#618196) and lymphatic malformation 7 (MIM#617300). (I) 0107 - This gene is associated with autosomal dominant disease. (I) 0115 - Variants in this gene are known to have variable expressivity (PMIDs: 29905864, 27400125, 30578106). (I) 0201 - Variant is predicted to cause nonsense-mediated decay (NMD) and loss of protein (premature termination codon is located at least 54 nucleotides upstream of the final exon-exon junction). (SP) 0251 - This variant is heterozygous. (I) 0302 - Variant is present in gnomAD (v3) <0.001 for a dominant condition (1 heterozygote, 0 homozygotes). (SP) 0701 - Other NMD-predicted variants comparable to the one identified in this case have very strong previous evidence for pathogenicity. There are at least ten NMD-predicted variants that have been reported in affected individuals and/or been classified as pathogenic and likely pathogenic by clinical diagnostic laboratories (PMID: 28687708, ClinVar). (SP) 0807 - This variant has no previous evidence of pathogenicity. (I) 0905 - No published segregation evidence has been identified for this variant. (I) 1007 - No published functional evidence has been identified for this variant. (SP) Legend: (SP) - Supporting pathogenic, (I) - Information, (SB) - Supporting benign

Molecular Genetics, Royal Melbourne Hospital
Classification: Pathogenic for Capillary malformation-arteriovenous malformation 2. Last evaluated: 2021-02-26. Review status: criteria provided, single submitter. Criteria: ACMG Guidelines, 2015. Collection method: clinical testing. Allele origin: germline. Affected: yes.
Comment: This sequence change creates a premature termination codon at position 365 in exon 6 (of 17) of EPHB4 (p.(Arg365*)). It is expected to result in nonsense mediated decay, in a gene where loss of function is an established mechanism of disease (ClinVar). The variant is present in a single individual in a large population cohort (1/152,232 alleles in gnomAD v3.1 and absent in gnomAD v2.1), and has been identified in at least two individuals with suspected capillary malformation-arteriovenous malformation (Royal Melbourne Hospital, 10.21203/rs.3.rs-60236/v1). Based on the classification scheme RMH Modified ACMG Guidelines v1.3.1, this variant is classified as PATHOGENIC. Following criteria are met: PVS1, PS4_Supporting, PM2_Supporting.

Juno Genomics, Hangzhou Juno Genomics, Inc
Classification: Likely pathogenic for Capillary malformation-arteriovenous malformation 2; Lymphatic malformation 7. Review status: criteria provided, single submitter. Criteria: ACMG Guidelines, 2015. Collection method: clinical testing. Allele origin: germline.
Comment: Absent from controls (or at extremely low frequency if recessive) in Genome Aggregation Database.;Null variant in a gene where loss of function (LOF) is a known mechanism of disease.

Literature cited by the submitters: PubMed 28687708 (cited by Labcorp Genetics (formerly Invitae), Labcorp and Victorian Clinical Genetics Services, Murdoch Childrens Research Institute); PubMed 27400125 (cited by Victorian Clinical Genetics Services, Murdoch Childrens Research Institute); PubMed 29444212 (cited by Victorian Clinical Genetics Services, Murdoch Childrens Research Institute); PubMed 30578106 (cited by Victorian Clinical Genetics Services, Murdoch Childrens Research Institute).

NM_004444.5(EPHB4):c.1093C>T (p.Arg365Ter)

Gene: EPHB4 (EPH receptor B4; minus strand). Cytogenetic location: 7q22.1.
Variant type: single nucleotide variant.
Coding change: c.1093C>T on transcript NM_004444.5 (MANE Select); coding-DNA position 1093, C replaced by T.
Protein change: p.Arg365Ter; replaces arginine 365 with a stop codon.
Molecular consequence: nonsense.
Genome position (GRCh38, 1-based): chr7:100,819,761, G>A on the plus strand (C>T on the coding strand, the complement: EPHB4 is on the minus strand). VCF-style: chr7-100819761-G-A. GRCh37 (hg19) VCF-style: chr7-100417383-G-A.
Other names: c.1093C>T (NM_004444.4); short protein forms R365*.
Identifiers: ClinVar variation 1678591 (VCV001678591.11), dbSNP rs1279971868, ClinGen allele CA368576530.
Genomic context (GRCh38, chr7:100,819,761, plus strand): 5'-CCCGGGGGCCGGGGTCAAAAGTCAGGTCTCCCCCGCAGGGCGCACAGGAGCCTCCGGGTC[G>A]GCACTCCCGGCAGCGGAGGGCGTAGGTGAGGTCCTCTCGGCCACCAGACTCCAGGGGGGC-3'